The following is an entry in ClinVar:

NM_006059.4(LAMC3):c.3417+5C>T

Gene: LAMC3 (laminin subunit gamma 3; plus strand). Cytogenetic location: 9q34.12.
Variant type: single nucleotide variant.
Coding change: c.3417+5C>T on transcript NM_006059.4 (MANE Select); 5 bases into the intron after coding-DNA position 3417, C replaced by T.
Molecular consequence: intron variant.
Genome position (GRCh38, 1-based): chr9:131,072,840, C>T. VCF-style: chr9-131072840-C-T. GRCh37 (hg19) VCF-style: chr9-133948227-C-T.
Identifiers: ClinVar variation 1950974 (VCV001950974.2), dbSNP rs772759983, ClinGen allele CA5287775.

ClinVar aggregate classification (germline): Uncertain significance (1 of 4 stars; one submission).

Allele frequency attached by ClinVar (database versions not stated): ExAC 0.00001; gnomAD 0.00001; gnomAD exomes 0.00001; TOPMed 0.00002.
gnomAD v4.1: 13 of 1,607,354 alleles (0.00081%); highest among the groups gnomAD compares: African/African-American, 0.0013%; no homozygotes.

Submission:

Labcorp Genetics (formerly Invitae), Labcorp
Classification: Uncertain significance. Last evaluated: 2022-03-10. Review status: criteria provided, single submitter. Criteria: Invitae Variant Classification Sherloc (09022015). Collection method: clinical testing. Allele origin: germline.
Comment: This sequence change falls in intron 19 of the LAMC3 gene. It does not directly change the encoded amino acid sequence of the LAMC3 protein. It affects a nucleotide within the consensus splice site. This variant is present in population databases (rs772759983, gnomAD 0.002%). This variant has not been reported in the literature in individuals affected with LAMC3-related conditions. Variants that disrupt the consensus splice site are a relatively common cause of aberrant splicing (PMID: 17576681, 9536098). Algorithms developed to predict the effect of sequence changes on RNA splicing suggest that this variant is not likely to affect RNA splicing. In summary, the available evidence is currently insufficient to determine the role of this variant in disease. Therefore, it has been classified as a Variant of Uncertain Significance.

Literature cited by the submitters: PubMed 17576681; PubMed 9536098.